The following is an entry in ClinVar:

ClinVar aggregate classification (germline): Uncertain significance (1 of 4 stars; one submission).

Submission:

Labcorp Genetics (formerly Invitae), Labcorp
Classification: Uncertain significance. Last evaluated: 2022-10-13. Review status: criteria provided, single submitter. Criteria: Invitae Variant Classification Sherloc (09022015). Collection method: clinical testing. Allele origin: germline.
Comment: This variant is not present in population databases (gnomAD no frequency). This sequence change replaces aspartic acid, which is acidic and polar, with tyrosine, which is neutral and polar, at codon 1631 of the MYO7A protein (p.Asp1631Tyr). Advanced modeling of protein sequence and biophysical properties (such as structural, functional, and spatial information, amino acid conservation, physicochemical variation, residue mobility, and thermodynamic stability) performed at Invitae indicates that this missense variant is not expected to disrupt MYO7A protein function. In summary, the available evidence is currently insufficient to determine the role of this variant in disease. Therefore, it has been classified as a Variant of Uncertain Significance. This variant has not been reported in the literature in individuals affected with MYO7A-related conditions.

NM_000260.4(MYO7A):c.4891G>T (p.Asp1631Tyr)

Gene: MYO7A (myosin VIIA; plus strand). Cytogenetic location: 11q13.5.
Variant type: single nucleotide variant.
Coding change: c.4891G>T on transcript NM_000260.4 (MANE Select); coding-DNA position 4891, G replaced by T.
Protein change: p.Asp1631Tyr; replaces aspartic acid 1631 with tyrosine.
Molecular consequence: missense variant.
Genome position (GRCh38, 1-based): chr11:77,201,486, G>T. VCF-style: chr11-77201486-G-T. GRCh37 (hg19) VCF-style: chr11-76912531-G-T.
Other names: c.4777G>T, p.Asp1593Tyr (NM_001127180.2); c.4744G>T, p.Asp1582Tyr (NM_001369365.1); short protein forms D1593Y, D1582Y, D1631Y.
Identifiers: ClinVar variation 1930890 (VCV001930890.5), dbSNP rs1957058323, ClinGen allele CA381951167.
Genomic context (GRCh38, chr11:77,201,486, plus strand): 5'-CCCACTCACCTCTGCTCTACAGCAGGCGAGGAGTCAGGCTTCCTCAGCTTTGCCAAGGGA[G>T]ACCTCATCATCCTGGACCATGACACGGGCGAGCAGGTCATGAACTCGGGCTGGGCCAACG-3'
Protein context (NP_000251.3, residues 1621-1641): ESGFLSFAKG[Asp1631Tyr]LIILDHDTGE